The following is an entry in ClinVar:

ClinVar aggregate classification (germline): Pathogenic (1 of 4 stars; one submission).

Conditions:
Microcytic anemia. Identifiers: MedGen C5194182, MONDO:0001245, HP:0001935. Disease mechanism: loss of function.

Allele frequency attached by ClinVar (database versions not stated): ExAC 0.00001; gnomAD 0.00001.
gnomAD v4.1: 3 of 1,614,018 alleles (0.00019%); highest among the groups gnomAD compares: Non-Finnish European, 0.00025%; no homozygotes.

Submission:

Center of Genomic medicine, Geneva, University Hospital of Geneva
Classification: Pathogenic for Microcytic anemia. Last evaluated: 2018-04-25. Review status: criteria provided, single submitter. Criteria: ACMG Guidelines, 2015. Collection method: clinical testing. Allele origin: germline. Affected: yes.

NM_001374504.1(TMPRSS6):c.2134C>T (p.Gln712Ter)

Gene: TMPRSS6 (transmembrane serine protease 6; minus strand). Cytogenetic location: 22q12.3.
Variant type: single nucleotide variant.
Coding change: c.2134C>T on transcript NM_001374504.1 (MANE Select); coding-DNA position 2134, C replaced by T.
Protein change: p.Gln712Ter; replaces glutamine 712 with a stop codon.
Molecular consequence: nonsense.
Genome position (GRCh38, 1-based): chr22:37,066,942, G>A on the plus strand (C>T on the coding strand, the complement: TMPRSS6 is on the minus strand). VCF-style: chr22-37066942-G-A. GRCh37 (hg19) VCF-style: chr22-37462982-G-A.
Other names: c.2200C>T, p.Gln734Ter (NM_001289000.2); c.2134C>T, p.Gln712Ter (NM_001289001.2, NM_153609.4); short protein forms Q721*, Q712*, Q734*.
Identifiers: ClinVar variation 627580 (VCV000627580.2), dbSNP rs775869554, ClinGen allele CA10215319.